The following is an entry in ClinVar:

ClinVar aggregate classification (germline): Uncertain significance (1 of 4 stars; one submission).

Conditions:
KBG syndrome (KBGS). Also called: ANKRD11-Related KBG Syndrome. Identifiers: Orphanet 2332, MedGen C0220687, MONDO:0007846, OMIM 148050.

gnomAD v4.1: 2 of 1,613,174 alleles (0.00012%); highest among the groups gnomAD compares: South Asian, 0.0022%; no homozygotes.

Submission:

Labcorp Genetics (formerly Invitae), Labcorp
Classification: Uncertain significance for KBG syndrome. Last evaluated: 2024-05-21. Review status: criteria provided, single submitter. Criteria: Invitae Variant Classification Sherloc (09022015). Collection method: clinical testing. Allele origin: germline.
Comment: This sequence change replaces glutamic acid, which is acidic and polar, with alanine, which is neutral and non-polar, at codon 1946 of the ANKRD11 protein (p.Glu1946Ala). This variant is present in population databases (rs778925150, gnomAD 0.003%). This variant has not been reported in the literature in individuals affected with ANKRD11-related conditions. Advanced modeling of protein sequence and biophysical properties (such as structural, functional, and spatial information, amino acid conservation, physicochemical variation, residue mobility, and thermodynamic stability) performed at Invitae indicates that this missense variant is not expected to disrupt ANKRD11 protein function with a negative predictive value of 95%. In summary, the available evidence is currently insufficient to determine the role of this variant in disease. Therefore, it has been classified as a Variant of Uncertain Significance.

NM_013275.6(ANKRD11):c.5837A>C (p.Glu1946Ala)

Gene: ANKRD11 (ankyrin repeat domain 11; minus strand). Cytogenetic location: 16q24.3.
Variant type: single nucleotide variant.
Coding change: c.5837A>C on transcript NM_013275.6 (MANE Select); coding-DNA position 5837, A replaced by C.
Protein change: p.Glu1946Ala; replaces glutamic acid 1946 with alanine.
Molecular consequence: missense variant.
Genome position (GRCh38, 1-based): chr16:89,280,705, T>G on the plus strand (A>C on the coding strand, the complement: ANKRD11 is on the minus strand). VCF-style: chr16-89280705-T-G. GRCh37 (hg19) VCF-style: chr16-89347113-T-G.
Other names: c.5837A>C, p.Glu1946Ala (NM_001256182.2, NM_001256183.2); short protein forms E1946A.
Identifiers: ClinVar variation 3637135 (VCV003637135.2).
Genomic context (GRCh38, chr16:89,280,705, plus strand): 5'-GTGCCCCCGATCAGGCTAGAGGCAAGCGCCTGCTCGGAGGGGTGGGCCCACTCAACGGGC[T>G]CCTCGGTGATGACGGCGCTGAAGGGACCCTCGTCCAGCGGCTCCAGGTAGCTGGGCTCCG-3'
Protein context (NP_037407.4, residues 1936-1956): EGPFSAVITE[Glu1946Ala]PVEWAHPSEQ